The following is an entry in ClinVar:

ClinVar aggregate classification (germline): Uncertain significance (1 of 4 stars; one submission).

Allele frequency attached by ClinVar (database versions not stated): TOPMed below 0.00001.
gnomAD v4.1: 3 of 1,606,426 alleles (0.00019%); highest among the groups gnomAD compares: Non-Finnish European, 0.00025%; no homozygotes.

Submission:

Labcorp Genetics (formerly Invitae), Labcorp
Classification: Uncertain significance. Last evaluated: 2022-02-12. Review status: criteria provided, single submitter. Criteria: Invitae Variant Classification Sherloc (09022015). Collection method: clinical testing. Allele origin: germline.
Comment: This sequence change replaces leucine, which is neutral and non-polar, with phenylalanine, which is neutral and non-polar, at codon 194 of the PPA2 protein (p.Leu194Phe). This variant is not present in population databases (gnomAD no frequency). This variant has not been reported in the literature in individuals affected with PPA2-related conditions. Algorithms developed to predict the effect of missense changes on protein structure and function are either unavailable or do not agree on the potential impact of this missense change (SIFT: "Deleterious"; PolyPhen-2: "Probably Damaging"; Align-GVGD: "Class C0"). In summary, the available evidence is currently insufficient to determine the role of this variant in disease. Therefore, it has been classified as a Variant of Uncertain Significance.

NM_176869.3(PPA2):c.580C>T (p.Leu194Phe)

Gene: PPA2 (inorganic pyrophosphatase 2; minus strand). Cytogenetic location: 4q24.
Variant type: single nucleotide variant.
Coding change: c.580C>T on transcript NM_176869.3 (MANE Select); coding-DNA position 580, C replaced by T.
Protein change: p.Leu194Phe; replaces leucine 194 with phenylalanine.
Molecular consequence: missense variant. On other transcripts: intron variant (1).
Genome position (GRCh38, 1-based): chr4:105,424,271, G>A on the plus strand (C>T on the coding strand, the complement: PPA2 is on the minus strand). VCF-style: chr4-105424271-G-A. GRCh37 (hg19) VCF-style: chr4-106345428-G-A.
Other names: c.493C>T, p.Leu165Phe (NM_006903.4); c.274C>T, p.Leu92Phe (NM_176866.2); c.158-25107C>T (NM_176867.3); short protein forms L194F, L92F, L165F.
Identifiers: ClinVar variation 2097184 (VCV002097184.2), dbSNP rs567626503, ClinGen allele CA357795352.